The following is an entry in ClinVar:

ClinVar aggregate classification (germline): Uncertain significance (1 of 4 stars; one submission).

Conditions:
Brugada syndrome. Also called: Sudden unexpected nocturnal death syndrome; Sudden Unexplained Death Syndrome; Sudden Unexplained Nocturnal Death Syndrome (SUNDS); Sudden unexplained nocturnal death syndrome. Identifiers: Orphanet 130, MedGen C1142166, MONDO:0015263.

Submission:

Labcorp Genetics (formerly Invitae), Labcorp
Classification: Uncertain significance for Brugada syndrome. Last evaluated: 2023-05-14. Review status: criteria provided, single submitter. Criteria: Invitae Variant Classification Sherloc (09022015). Collection method: clinical testing. Allele origin: germline.
Comment: In summary, the available evidence is currently insufficient to determine the role of this variant in disease. Therefore, it has been classified as a Variant of Uncertain Significance. An algorithm developed to predict the effect of missense changes on protein structure and function (PolyPhen-2) suggests that this variant is likely to be disruptive. This variant has not been reported in the literature in individuals affected with CACNA2D1-related conditions. This variant is not present in population databases (gnomAD no frequency). This sequence change replaces arginine, which is basic and polar, with lysine, which is basic and polar, at codon 730 of the CACNA2D1 protein (p.Arg730Lys).

NM_000722.4(CACNA2D1):c.2189G>A (p.Arg730Lys)

Gene: CACNA2D1 (calcium voltage-gated channel auxiliary subunit alpha2delta 1; minus strand). Cytogenetic location: 7q21.11.
Variant type: single nucleotide variant.
Coding change: c.2189G>A on transcript NM_000722.4 (MANE Select); coding-DNA position 2189, G replaced by A.
Protein change: p.Arg730Lys; replaces arginine 730 with lysine.
Molecular consequence: missense variant.
Genome position (GRCh38, 1-based): chr7:81,970,690, C>T on the plus strand (G>A on the coding strand, the complement: CACNA2D1 is on the minus strand). VCF-style: chr7-81970690-C-T. GRCh37 (hg19) VCF-style: chr7-81600006-C-T.
Other names: c.2225G>A, p.Arg742Lys (NM_001366867.1); short protein forms R730K, R742K.
Identifiers: ClinVar variation 2864176 (VCV002864176.3), dbSNP rs2484603999, ClinGen allele CA367891375.